The following is an entry in ClinVar:

NM_018486.3(HDAC8):c.502A>G (p.Lys168Glu)

Gene: HDAC8 (histone deacetylase 8; minus strand). Cytogenetic location: Xq13.1.
Variant type: single nucleotide variant.
Coding change: c.502A>G on transcript NM_018486.3 (MANE Select); coding-DNA position 502, A replaced by G.
Protein change: p.Lys168Glu; replaces lysine 168 with glutamic acid.
Molecular consequence: missense variant. On other transcripts: non-coding transcript variant (1).
Genome position (GRCh38, 1-based): chrX:72,495,204, T>C on the plus strand (A>G on the coding strand, the complement: HDAC8 is on the minus strand). VCF-style: chrX-72495204-T-C. GRCh37 (hg19) VCF-style: chrX-71715054-T-C.
Other names: c.229A>G, p.Lys77Glu (NM_001166418.2, NM_001166448.2, NM_001410728.1); c.502A>G, p.Lys168Glu (NM_001166419.2, NM_001410725.1, NM_001410727.1 and 2 more transcripts); short protein forms K168E, K77E.
Identifiers: ClinVar variation 1676374 (VCV001676374.10), dbSNP rs2148144312, ClinGen allele CA413640126.
Genomic context (GRCh38, chrX:72,495,204, plus strand): 5'-CAAAGGGCTTACCATCTCCATGGTGCAGATCCAAATCCACGTAGAGAATACGCTCAAATT[T>C]CCGTCGCAATCGTAATATTCCCAGGACAGCATCATTGAGATAACAAAAACCAGATGCTTC-3'
Protein context (NP_060956.1, residues 158-178): AVLGILRLRR[Lys168Glu]FERILYVDLD

ClinVar aggregate classification (germline): Uncertain significance. Review status: criteria provided, multiple submitters, no conflicts (2 of 4 stars). 4 submissions from 4 submitters: Uncertain significance (4). Last evaluated 2026-09-01.

Conditions:
Inborn genetic diseases. Identifiers: MedGen C0950123, MeSH D030342.
Cornelia de Lange syndrome 5 (CDLS5). Also called: HDAC8-Related Cornelia de Lange Syndrome. Identifiers: Orphanet 199, MedGen C3550903, MONDO:0010471, OMIM 300882.

Submissions (4):

CeGaT Center for Human Genetics Tuebingen
Classification: Uncertain significance. Last evaluated: 2026-09-01. Review status: criteria provided, single submitter. Criteria: CeGaT Center For Human Genetics Tuebingen Variant Classification Criteria Version 2. Collection method: clinical testing. Allele origin: germline. Affected: yes. Observed: 1 variant allele.
Comment: HDAC8: PM2, PP2

Ambry Genetics
Classification: Uncertain significance for Inborn genetic diseases. Last evaluated: 2024-08-12. Review status: criteria provided, single submitter. Criteria: Ambry Variant Classification Scheme 2023. Collection method: clinical testing. Allele origin: germline.

GeneDx
Classification: Uncertain significance. Last evaluated: 2024-03-25. Review status: criteria provided, single submitter. Criteria: GeneDx Variant Classification Process June 2021. Collection method: clinical testing. Allele origin: germline. Affected: yes.
Comment: Not observed at significant frequency in large population cohorts (gnomAD); In silico analysis supports that this missense variant does not alter protein structure/function; Has not been previously published as pathogenic or benign to our knowledge

Labcorp Genetics (formerly Invitae), Labcorp
Classification: Uncertain significance for Cornelia de Lange syndrome 5. Last evaluated: 2023-12-31. Review status: criteria provided, single submitter. Criteria: Invitae Variant Classification Sherloc (09022015). Collection method: clinical testing. Allele origin: germline.
Comment: This sequence change replaces lysine, which is basic and polar, with glutamic acid, which is acidic and polar, at codon 168 of the HDAC8 protein (p.Lys168Glu). This variant is not present in population databases (gnomAD no frequency). This variant has not been reported in the literature in individuals affected with HDAC8-related conditions. ClinVar contains an entry for this variant (Variation ID: 1676374). Advanced modeling of protein sequence and biophysical properties (such as structural, functional, and spatial information, amino acid conservation, physicochemical variation, residue mobility, and thermodynamic stability) performed at Invitae indicates that this missense variant is not expected to disrupt HDAC8 protein function with a negative predictive value of 80%. In summary, the available evidence is currently insufficient to determine the role of this variant in disease. Therefore, it has been classified as a Variant of Uncertain Significance.